The following is an entry in ClinVar:

ClinVar aggregate classification (germline): Pathogenic/Likely pathogenic. Review status: criteria provided, multiple submitters, no conflicts (2 of 4 stars). 3 submissions from 3 submitters: Pathogenic (2); Likely pathogenic (1). Last evaluated 2024-03-03.

Conditions:
DICER1-related tumor predisposition. Also called: DICER1-related pleuropulmonary blastoma cancer predisposition syndrome; DICER1 syndrome. Identifiers: Orphanet 284343, MedGen C3839822, MONDO:0100216.
Pleuropulmonary blastoma (PPB). Identifiers: Orphanet 64742, MedGen C1266144, MONDO:0011014, OMIM 601200, HP:0100528.
Euthyroid goiter (MNG1). Also called: MULTINODULAR GOITER, ADOLESCENT; SIMPLE GOITER; GOITER, NONTOXIC, WITH INTRATHYROIDAL CALCIFICATION; Goiter, multinodular 1, with or without Sertoli-Leydig cell tumors. Identifiers: Orphanet 276399, MedGen C0302859, MONDO:0007681, OMIM 138800, HP:0009798.
Global developmental delay - lung cysts - overgrowth - Wilms tumor syndrome. Also called: GLOBAL DEVELOPMENTAL DELAY, LUNG CYSTS, OVERGROWTH, AND WILMS TUMOR; GLOW Syndrome. Identifiers: Orphanet 404476, MedGen C4748924, MONDO:0018445, OMIM 618272.
Rhabdomyosarcoma, embryonal, 2 (RMSE2). Identifiers: MedGen C1867234, MONDO:0859046, OMIM 180295.
Hereditary cancer-predisposing syndrome. Also called: Hereditary Cancer Syndrome; Tumor predisposition; Neoplastic Syndromes, Hereditary; Hereditary neoplastic syndrome. Identifiers: Orphanet 140162, MedGen C0027672, MeSH D009386, MONDO:0015356.

Submissions (3):

Labcorp Genetics (formerly Invitae), Labcorp
Classification: Pathogenic for DICER1-related tumor predisposition. Last evaluated: 2024-03-03. Review status: criteria provided, single submitter. Criteria: Invitae Variant Classification Sherloc (09022015). Collection method: clinical testing. Allele origin: germline.
Comment: This sequence change creates a premature translational stop signal (p.Tyr186Ilefs*5) in the DICER1 gene. It is expected to result in an absent or disrupted protein product. Loss-of-function variants in DICER1 are known to be pathogenic (PMID: 19556464, 21266384). This variant is not present in population databases (gnomAD no frequency). This variant has not been reported in the literature in individuals affected with DICER1-related conditions. ClinVar contains an entry for this variant (Variation ID: 825837). For these reasons, this variant has been classified as Pathogenic.

Ambry Genetics
Classification: Pathogenic for Hereditary cancer-predisposing syndrome. Last evaluated: 2023-04-25. Review status: criteria provided, single submitter. Criteria: Ambry Variant Classification Scheme 2023. Collection method: clinical testing. Allele origin: germline.
Comment: The c.556delT pathogenic mutation, located in coding exon 4 of the DICER1 gene, results from a deletion of one nucleotide at nucleotide position 556, causing a translational frameshift with a predicted alternate stop codon (p.Y186Ifs*5). This alteration is expected to result in loss of function by premature protein truncation or nonsense-mediated mRNA decay. As such, this alteration is interpreted as a disease-causing mutation.

Juno Genomics, Hangzhou Juno Genomics, Inc
Classification: Likely pathogenic for Global developmental delay - lung cysts - overgrowth - Wilms tumor syndrome; Euthyroid goiter; Pleuropulmonary blastoma; Rhabdomyosarcoma, embryonal, 2. Review status: criteria provided, single submitter. Criteria: ACMG Guidelines, 2015. Collection method: clinical testing. Allele origin: germline.
Comment: Absent from controls (or at extremely low frequency if recessive) in Genome Aggregation Database.;Null variant in a gene where loss of function (LOF) is a known mechanism of disease.

Literature cited by the submitters: PubMed 19556464 (cited by Labcorp Genetics (formerly Invitae), Labcorp); PubMed 21266384 (cited by Labcorp Genetics (formerly Invitae), Labcorp).

NM_177438.3(DICER1):c.556del (p.Tyr186fs)

Gene: DICER1 (dicer 1, ribonuclease III; minus strand). Cytogenetic location: 14q32.13.
Variant type: Deletion.
Coding change: c.556del on transcript NM_177438.3 (MANE Select); coding-DNA position 556, one base deleted (T; older notation c.556delT).
Protein change: p.Tyr186fs; shifts the reading frame from tyrosine 186.
Molecular consequence: frameshift variant.
Genome position (GRCh38, 1-based): chr14:95,130,075, A deleted on the plus strand (T on the coding strand, the reverse complement: DICER1 is on the minus strand). VCF-style (leftmost placement, unchanged base first): chr14-95130074-TA-T. GRCh37 (hg19) VCF-style: chr14-95596411-TA-T.
Other names: c.556del, p.Tyr186fs (NM_001195573.1, NM_001271282.3, NM_001291628.2 and 1 more transcripts); short protein forms Y186fs.
Identifiers: ClinVar variation 825837 (VCV000825837.10), dbSNP rs1595458724, ClinGen allele CA915946426.